The following is an entry in ClinVar:

NM_019032.6(ADAMTSL4):c.1651G>A (p.Gly551Ser)

Genes: ADAMTSL4 (ADAMTS like 4; plus strand), ADAMTSL4-AS2 (ADAMTSL4 antisense RNA 2; minus strand). Cytogenetic location: 1q21.2.
Variant type: single nucleotide variant.
Coding change: c.1651G>A on transcript NM_019032.6 (MANE Select); coding-DNA position 1651, G replaced by A.
Protein change: p.Gly551Ser; replaces glycine 551 with serine.
Molecular consequence: missense variant.
Genome position (GRCh38, 1-based): chr1:150,556,695, G>A. VCF-style: chr1-150556695-G-A. GRCh37 (hg19) VCF-style: chr1-150529171-G-A.
Other names: c.1720G>A, p.Gly574Ser (NM_001288607.2, NM_001288608.2); c.1651G>A, p.Gly551Ser (NM_001378596.1, NM_025008.5); c.1651G>A (NM_019032.4); short protein forms G551S, G574S.
Identifiers: ClinVar variation 1374055 (VCV001374055.4), dbSNP rs757026814, ClinGen allele CA1078348.

ClinVar aggregate classification (germline): Uncertain significance. Review status: criteria provided, multiple submitters, no conflicts (2 of 4 stars). 2 submissions from 2 submitters: Uncertain significance (2). Last evaluated 2025-10-14.

Conditions:
Inborn genetic diseases. Identifiers: MedGen C0950123, MeSH D030342.

Allele frequency attached by ClinVar (database versions not stated): TOPMed 0.00001; gnomAD exomes 0.00002; ExAC 0.00003.
gnomAD v4.1: 22 of 1,613,922 alleles (0.0014%); highest among the groups gnomAD compares: East Asian, 0.0022%; no homozygotes.

Submissions (2):

Ambry Genetics
Classification: Uncertain significance for Inborn genetic diseases. Last evaluated: 2025-10-14. Review status: criteria provided, single submitter. Criteria: Ambry Variant Classification Scheme 2023. Collection method: clinical testing. Allele origin: germline.

Labcorp Genetics (formerly Invitae), Labcorp
Classification: Uncertain significance. Last evaluated: 2022-05-05. Review status: criteria provided, single submitter. Criteria: Invitae Variant Classification Sherloc (09022015). Collection method: clinical testing. Allele origin: germline.
Comment: This sequence change replaces glycine, which is neutral and non-polar, with serine, which is neutral and polar, at codon 551 of the ADAMTSL4 protein (p.Gly551Ser). This variant is present in population databases (rs757026814, gnomAD 0.004%). This variant has not been reported in the literature in individuals affected with ADAMTSL4-related conditions. Algorithms developed to predict the effect of missense changes on protein structure and function output the following: SIFT: "Tolerated"; PolyPhen-2: "Benign"; Align-GVGD: "Class C0". The serine amino acid residue is found in multiple mammalian species, which suggests that this missense change does not adversely affect protein function. In summary, the available evidence is currently insufficient to determine the role of this variant in disease. Therefore, it has been classified as a Variant of Uncertain Significance.